The following is an entry in ClinVar:

NM_001130004.2(ACTN1):c.676+9C>T

Gene: ACTN1 (actinin alpha 1; minus strand). Cytogenetic location: 14q24.1.
Variant type: single nucleotide variant.
Coding change: c.676+9C>T on transcript NM_001130004.2 (MANE Select); 9 bases into the intron after coding-DNA position 676, C replaced by T.
Molecular consequence: intron variant.
Genome position (GRCh38, 1-based): chr14:68,904,646, G>A on the plus strand (C>T on the coding strand, the complement: ACTN1 is on the minus strand). VCF-style: chr14-68904646-G-A. GRCh37 (hg19) VCF-style: chr14-69371363-G-A.
Other names: p.?; c.676+9C>T (NM_001130005.2, NM_001102.4).
Identifiers: ClinVar variation 1684409 (VCV001684409.9), dbSNP rs202246872, ClinGen allele CA7242621.
Genomic context (GRCh38, chr14:68,904,646, plus strand): 5'-CACCCCTTCTTAGCCGCTGAGTGGCAGGTGGGCGATGGGCAAGAGACACAGAAGGAAAGC[G>A]CCTTTCACCTTCGGCATCCAGCATCTTGGGGATGTCCAGGTACTTCTCTGCCACGTCAAA-3'

ClinVar aggregate classification (germline): Conflicting classifications of pathogenicity. Review status: criteria provided, conflicting classifications (1 of 4 stars). 4 submissions from 4 submitters: Uncertain significance (1); Benign (1); Likely benign (1). 1 of the submissions does not count toward it. Last evaluated 2025-09-28.

Conditions:
Platelet-type bleeding disorder 15 (BDPLT15). Also called: MACROTHROMBOCYTOPENIA, AUTOSOMAL DOMINANT, ACTN1-RELATED. Identifiers: Orphanet 140957, MedGen C3554663, MONDO:0014078, OMIM 615193.

Allele frequency attached by ClinVar (database versions not stated): gnomAD 0.00062 and 0.00063; gnomAD exomes 0.00073 and 0.00100; ExAC 0.00082; 1000 Genomes Project 0.00040; TOPMed 0.00061; 1000 Genomes Project 30x 0.00062; ESP Exome Variant Server 0.00062.
gnomAD v4.1: 1,530 of 1,613,190 alleles (0.095%); highest among the groups gnomAD compares: Non-Finnish European, 0.12%; 3 homozygotes.

Submissions (7):

Labcorp Genetics (formerly Invitae), Labcorp
Classification: Benign. Last evaluated: 2025-09-28. Review status: criteria provided, single submitter. Criteria: Invitae Variant Classification Sherloc (09022015). Collection method: clinical testing. Allele origin: germline.

Blueprint Genetics
Classification: Likely benign. Last evaluated: 2024-11-27. Review status: criteria provided, single submitter. Criteria: ACMG Guidelines, 2015. Collection method: clinical testing. Allele origin: germline.

Mayo Clinic Laboratories, Mayo Clinic
Classification: Uncertain significance. Last evaluated: 2024-08-30. Review status: criteria provided, single submitter. Criteria: ACMG Guidelines, 2015. Collection method: clinical testing. Allele origin: germline. Observed: 1 variant allele.
Comment: BS1, BS2_supporting, PP3

Dr. Peter K. Rogan Lab, Western University
No classification provided (evidence only). Condition: Clear cell carcinoma of kidney. Review status: no classification provided. Collection method: in vitro. Allele origin: not applicable. Functional consequence: retained intron. Not counted in ClinVar's aggregate classification.

Dr. Peter K. Rogan Lab, Western University
No classification provided (evidence only). Condition: Lung cancer. Review status: no classification provided. Collection method: in vitro. Allele origin: not applicable. Functional consequence: retained intron. Not counted in ClinVar's aggregate classification.

Dr. Peter K. Rogan Lab, Western University
No classification provided (evidence only). Condition: Acute myeloid leukemia. Review status: no classification provided. Collection method: in vitro. Allele origin: not applicable. Functional consequence: retained intron. Not counted in ClinVar's aggregate classification.

ISTH-SSC Genomics in Thrombosis and Hemostasis, KU Leuven, Center for Molecular and Vascular Biology
Classification: Uncertain significance for Platelet-type bleeding disorder 15. Review status: no assertion criteria provided. Collection method: research. Allele origin: unknown. Affected: yes. Not counted in ClinVar's aggregate classification.
Comment: Submitted to GoldVariant by Harald Schulze from Institute of Experimental Biomedicine, University Hospital of Würzburg, Würzburg, Germany

Literature cited by the submitters: PubMed 35304488 (cited by Mayo Clinic Laboratories, Mayo Clinic).